The following is an entry in ClinVar:

ClinVar aggregate classification (germline): Uncertain significance (1 of 4 stars; one submission).

Submission:

Ambry Genetics
Classification: Uncertain significance. Last evaluated: 2026-06-03. Review status: criteria provided, single submitter. Criteria: Ambry Variant Classification Scheme 2023. Collection method: clinical testing. Allele origin: germline.
Comment: The p.L121P variant (also known as c.362T>C), located in coding exon 3 of the GEN1 gene, results from a T to C substitution at nucleotide position 362. The leucine at codon 121 is replaced by proline, an amino acid with similar properties. This amino acid position is conserved. In addition, this alteration is predicted to be deleterious by in silico analysis. Based on the available evidence, the clinical significance of this variant remains unclear.

NM_001130009.3(GEN1):c.362T>C (p.Leu121Pro)

Gene: GEN1 (GEN1 structure-specific endonuclease; plus strand). Cytogenetic location: 2p24.2.
Variant type: single nucleotide variant.
Coding change: c.362T>C on transcript NM_001130009.3 (MANE Select); coding-DNA position 362, T replaced by C.
Protein change: p.Leu121Pro; replaces leucine 121 with proline.
Molecular consequence: missense variant.
Genome position (GRCh38, 1-based): chr2:17,764,910, T>C. VCF-style: chr2-17764910-T-C. GRCh37 (hg19) VCF-style: chr2-17946177-T-C.
Other names: c.362T>C, p.Leu121Pro (NM_182625.5); short protein forms L121P.
Identifiers: ClinVar variation 4858002 (VCV004858002.1).